The following is an entry in ClinVar:

NM_000179.3(MSH6):c.2559G>A (p.Lys853=)

Gene: MSH6 (mutS homolog 6; plus strand). Cytogenetic location: 2p16.3.
Variant type: single nucleotide variant.
Coding change: c.2559G>A on transcript NM_000179.3 (MANE Select); coding-DNA position 2559, G replaced by A.
Protein change: p.Lys853=; no amino-acid change (lysine 853 retained).
Molecular consequence: synonymous variant.
Genome position (GRCh38, 1-based): chr2:47,800,542, G>A. VCF-style: chr2-47800542-G-A. GRCh37 (hg19) VCF-style: chr2-48027681-G-A.
Other names: c.1653G>A, p.Lys551= (NM_001281494.2, NM_001281493.2); c.2169G>A, p.Lys723= (NM_001281492.2).
Identifiers: ClinVar variation 231043 (VCV000231043.16), dbSNP rs765873566, ClinGen allele CA069178.

ClinVar aggregate classification (germline): Benign/Likely benign. Review status: criteria provided, multiple submitters, no conflicts (2 of 4 stars). 4 submissions from 4 submitters: Benign (1); Likely benign (3). Last evaluated 2024-12-31.

Conditions:
Lynch syndrome 5 (LYNCH5). Also called: Colorectal cancer, hereditary nonpolyposis, type 5; Hereditary non-polyposis colorectal cancer, type 5. Identifiers: Orphanet 144, MedGen C1833477, MONDO:0013710, OMIM 614350. Disease mechanism: loss of function.
Hereditary nonpolyposis colorectal neoplasms. Identifiers: MedGen C0009405, MeSH D003123.
Hereditary cancer-predisposing syndrome. Also called: Neoplastic Syndromes, Hereditary; Tumor predisposition; Hereditary Cancer Syndrome; Hereditary neoplastic syndrome. Identifiers: Orphanet 140162, MedGen C0027672, MeSH D009386, MONDO:0015356.

Allele frequency attached by ClinVar (database versions not stated): gnomAD exomes below 0.00001; ExAC 0.00001.
gnomAD v4.1: 2 of 1,613,604 alleles (0.00012%); highest among the groups gnomAD compares: Non-Finnish European, 0.00017%; no homozygotes.

Submissions (4):

Myriad Genetics, Inc.
Classification: Benign for Lynch syndrome 5. Last evaluated: 2024-12-31. Review status: criteria provided, single submitter. Criteria: Myriad Autosomal Dominant, Autosomal Recessive and X-Linked Classification Criteria (2023). Collection method: clinical testing. Allele origin: unknown.
Comment: This variant is considered benign. This variant is a silent/synonymous amino acid change and it is not expected to impact splicing.

Labcorp Genetics (formerly Invitae), Labcorp
Classification: Likely benign for Hereditary nonpolyposis colorectal neoplasms. Last evaluated: 2024-10-22. Review status: criteria provided, single submitter. Criteria: Invitae Variant Classification Sherloc (09022015). Collection method: clinical testing. Allele origin: germline.

Color Diagnostics, LLC DBA Color Health
Classification: Likely benign for Hereditary cancer-predisposing syndrome. Last evaluated: 2018-11-29. Review status: criteria provided, single submitter. Criteria: ACMG Guidelines, 2015. Collection method: clinical testing. Allele origin: germline.

Ambry Genetics
Classification: Likely benign for Hereditary cancer-predisposing syndrome. Last evaluated: 2015-03-27. Review status: criteria provided, single submitter. Criteria: Ambry Variant Classification Scheme 2023. Collection method: clinical testing. Allele origin: germline.